The following is an entry in ClinVar:

NM_003072.5(SMARCA4):c.235A>T (p.Met79Leu)

Gene: SMARCA4 (SWI/SNF related BAF chromatin remodeling complex subunit ATPase 4; plus strand). Cytogenetic location: 19p13.2.
Variant type: single nucleotide variant.
Coding change: c.235A>T on transcript NM_003072.5 (MANE Select); coding-DNA position 235, A replaced by T.
Protein change: p.Met79Leu; replaces methionine 79 with leucine.
Molecular consequence: missense variant. On other transcripts: non-coding transcript variant (1).
Genome position (GRCh38, 1-based): chr19:10,985,285, A>T. VCF-style: chr19-10985285-A-T. GRCh37 (hg19) VCF-style: chr19-11095961-A-T.
Other names: c.235A>T, p.Met79Leu (NM_001128844.3, NM_001128845.2, NM_001128846.2 and 5 more transcripts); short protein forms M79L.
Identifiers: ClinVar variation 537767 (VCV000537767.6), dbSNP rs767638396, ClinGen allele CA404055097.

ClinVar aggregate classification (germline): Uncertain significance. Review status: criteria provided, multiple submitters, no conflicts (2 of 4 stars). 2 submissions from 2 submitters: Uncertain significance (2). Last evaluated 2024-05-29.

Conditions:
Hereditary cancer-predisposing syndrome. Also called: Tumor predisposition; Hereditary Cancer Syndrome; Hereditary neoplastic syndrome; Neoplastic Syndromes, Hereditary. Identifiers: Orphanet 140162, MedGen C0027672, MeSH D009386, MONDO:0015356.
Rhabdoid tumor predisposition syndrome 2 (RTPS2). Identifiers: Orphanet 231108, Orphanet 69077, MedGen C2750074, MONDO:0013224, OMIM 613325.

Submissions (2):

Ambry Genetics
Classification: Uncertain significance for Hereditary cancer-predisposing syndrome. Last evaluated: 2024-05-29. Review status: criteria provided, single submitter. Criteria: Ambry Variant Classification Scheme 2023. Collection method: clinical testing. Allele origin: germline.
Comment: The p.M79L variant (also known as c.235A>T), located in coding exon 2 of the SMARCA4 gene, results from an A to T substitution at nucleotide position 235. The methionine at codon 79 is replaced by leucine, an amino acid with highly similar properties. This amino acid position is conserved. In addition, the in silico prediction for this alteration is inconclusive. Based on the available evidence, the clinical significance of this variant remains unclear.

Labcorp Genetics (formerly Invitae), Labcorp
Classification: Uncertain significance for Rhabdoid tumor predisposition syndrome 2. Last evaluated: 2021-09-01. Review status: criteria provided, single submitter. Criteria: Invitae Variant Classification Sherloc (09022015). Collection method: clinical testing. Allele origin: germline.
Comment: This sequence change replaces methionine with leucine at codon 79 of the SMARCA4 protein (p.Met79Leu). The methionine residue is highly conserved and there is a small physicochemical difference between methionine and leucine. This variant is not present in population databases (ExAC no frequency). This variant has not been reported in the literature in individuals affected with SMARCA4-related conditions. Algorithms developed to predict the effect of missense changes on protein structure and function (SIFT, PolyPhen-2, Align-GVGD) all suggest that this variant is likely to be tolerated. In summary, the available evidence is currently insufficient to determine the role of this variant in disease. Therefore, it has been classified as a Variant of Uncertain Significance.